The following is an entry in ClinVar:

NM_033305.3(VPS13A):c.8070G>A (p.Met2690Ile)

Gene: VPS13A (vacuolar protein sorting 13 homolog A; plus strand). Cytogenetic location: 9q21.2.
Variant type: single nucleotide variant.
Coding change: c.8070G>A on transcript NM_033305.3 (MANE Select); coding-DNA position 8070, G replaced by A.
Protein change: p.Met2690Ile; replaces methionine 2690 with isoleucine.
Molecular consequence: missense variant.
Genome position (GRCh38, 1-based): chr9:77,359,367, G>A. VCF-style: chr9-77359367-G-A. GRCh37 (hg19) VCF-style: chr9-79974283-G-A.
Other names: c.7953G>A, p.Met2651Ile (NM_001018037.2); c.8070G>A, p.Met2690Ile (NM_001018038.3, NM_015186.4); short protein forms M2651I, M2690I.
Identifiers: ClinVar variation 2140296 (VCV002140296.1), dbSNP rs765701298, ClinGen allele CA5093529.
Genomic context (GRCh38, chr9:77,359,367, plus strand): 5'-AGTAATTATATTTATAACCTTTACAGCACCAAAGCCCTTTACAGATGTCAGTATTGTCAT[G>A]AGATCTGCAGGACATTCCCAGATATCACGTATTAAGTAAGTGTCTTAATACATTTCTTGT-3'
Protein context (NP_150648.2, residues 2680-2700): PKPFTDVSIV[Met2690Ile]RSAGHSQISR

ClinVar aggregate classification (germline): Uncertain significance (1 of 4 stars; one submission).

Allele frequency attached by ClinVar (database versions not stated): gnomAD exomes 0.00001; ExAC 0.00002; TOPMed 0.00002.
gnomAD v4.1: 17 of 1,613,334 alleles (0.0011%); highest among the groups gnomAD compares: Non-Finnish European, 0.0013%; no homozygotes.

Submission:

Labcorp Genetics (formerly Invitae), Labcorp
Classification: Uncertain significance. Last evaluated: 2022-01-01. Review status: criteria provided, single submitter. Criteria: Invitae Variant Classification Sherloc (09022015). Collection method: clinical testing. Allele origin: germline.
Comment: This sequence change replaces methionine, which is neutral and non-polar, with isoleucine, which is neutral and non-polar, at codon 2690 of the VPS13A protein (p.Met2690Ile). This variant is present in population databases (rs765701298, gnomAD 0.003%). This variant has not been reported in the literature in individuals affected with VPS13A-related conditions. Algorithms developed to predict the effect of missense changes on protein structure and function (SIFT, PolyPhen-2, Align-GVGD) all suggest that this variant is likely to be tolerated. In summary, the available evidence is currently insufficient to determine the role of this variant in disease. Therefore, it has been classified as a Variant of Uncertain Significance.